The following is an entry in ClinVar:

NM_001174147.2(LMX1B):c.707CCT[1] (p.Ser237del)

Gene: LMX1B (LIM homeobox transcription factor 1 beta; plus strand). Cytogenetic location: 9q33.3.
Variant type: Microsatellite.
Coding change: c.707CCT[1] on transcript NM_001174147.2 (MANE Select); one copy of the 3-base unit CCT starting at c.707; the reference has two copies in a row; one copy, 3 bases deleted.
Protein change: p.Ser237del; deletes serine 237.
Molecular consequence: inframe deletion.
Genome position (GRCh38, 1-based): chr9:126,693,292-126,693,294, CCT deleted; deleting any 3 consecutive bases within chr9:126,693,289-126,693,294 gives the same sequence; the position shown is the placement nearest the transcript's 3' end. VCF-style (leftmost placement, unchanged base first): chr9-126693288-GCCT-G. GRCh37 (hg19) VCF-style: chr9-129455567-GCCT-G.
Other names: c.707CCT[1], p.Ser237del (NM_001174146.2, NM_002316.4); short protein forms S237del.
Identifiers: ClinVar variation 4723296 (VCV004723296.1).

ClinVar aggregate classification (germline): Uncertain significance (1 of 4 stars; one submission).

Submission:

Labcorp Genetics (formerly Invitae), Labcorp
Classification: Uncertain significance. Last evaluated: 2025-07-15. Review status: criteria provided, single submitter. Criteria: Invitae Variant Classification Sherloc (09022015). Collection method: clinical testing. Allele origin: germline.
Comment: This variant, c.710_712del, results in the deletion of 1 amino acid(s) of the LMX1B protein (p.Ser237del), but otherwise preserves the integrity of the reading frame. This variant is not present in population databases (gnomAD no frequency). This variant has not been reported in the literature in individuals affected with LMX1B-related conditions. Experimental studies and prediction algorithms are not available or were not evaluated, and the functional significance of this variant is currently unknown. In summary, the available evidence is currently insufficient to determine the role of this variant in disease. Therefore, it has been classified as a Variant of Uncertain Significance.